The following is an entry in ClinVar:

NM_001134831.2(AHI1):c.2223_2224inv (p.Val742Ile)

Gene: AHI1 (Abelson helper integration site 1; minus strand). Cytogenetic location: 6q23.3.
Variant type: Inversion.
Coding change: c.2223_2224inv on transcript NM_001134831.2 (MANE Select).
Protein change: p.Val742Ile; replaces valine 742 with isoleucine.
Molecular consequence: missense variant.
Genome position: GRCh38 VCF-style: chr6-135433069-CA-TG. GRCh37 (hg19) VCF-style: chr6-135754207-CA-TG.
Other names: c.2223_2224inv, p.Val742Ile (NM_001134830.2, NM_001134832.2, NM_001350503.2 and 2 more transcripts); short protein forms V742I.
Identifiers: ClinVar variation 1714012 (VCV001714012.6), ClinGen allele CA2580075071.

ClinVar aggregate classification (germline): Uncertain significance (1 of 4 stars; one submission).

Conditions:
Joubert syndrome. Also called: CEREBELLOPARENCHYMAL DISORDER IV; JOUBERT-BOLTSHAUSER SYNDROME; Familial aplasia of the vermis. Identifiers: Orphanet 475, MedGen C5979921, MONDO:0018772.

Submission:

Labcorp Genetics (formerly Invitae), Labcorp
Classification: Uncertain significance for Joubert syndrome. Last evaluated: 2022-08-08. Review status: criteria provided, single submitter. Criteria: Invitae Variant Classification Sherloc (09022015). Collection method: clinical testing. Allele origin: germline.
Comment: This variant has not been reported in the literature in individuals affected with AHI1-related conditions. Information on the frequency of this variant in the gnomAD database is not available, as this variant may be reported differently in the database. This sequence change replaces valine, which is neutral and non-polar, with isoleucine, which is neutral and non-polar, at codon 742 of the AHI1 protein (p.Val742Ile). Experimental studies and prediction algorithms are not available or were not evaluated, and the functional significance of this variant is currently unknown. In summary, the available evidence is currently insufficient to determine the role of this variant in disease. Therefore, it has been classified as a Variant of Uncertain Significance.